The following is an entry in ClinVar:

ClinVar aggregate classification (germline): Pathogenic (1 of 4 stars; one submission).

Conditions:
Succinate-semialdehyde dehydrogenase deficiency (SSADHD). Also called: 4-HYDROXYBUTYRIC ACIDURIA; Succinic Semialdehyde Dehydrogenase Deficiency; SSADH DEFICIENCY; GABA METABOLIC DEFECT. Identifiers: Orphanet 22, MedGen C0268631, MONDO:0010083, OMIM 271980.

Allele frequency attached by ClinVar (database versions not stated): gnomAD exomes below 0.00001; ExAC 0.00001.

Submission:

Labcorp Genetics (formerly Invitae), Labcorp
Classification: Pathogenic for Succinate-semialdehyde dehydrogenase deficiency. Last evaluated: 2022-01-29. Review status: criteria provided, single submitter. Criteria: Invitae Variant Classification Sherloc (09022015). Collection method: clinical testing. Allele origin: germline.
Comment: For these reasons, this variant has been classified as Pathogenic. This premature translational stop signal has been observed in individual(s) with succinic semialdehyde dehydrogenase deficiency (Invitae). This variant is present in population databases (rs760542761, gnomAD 0.006%). This sequence change creates a premature translational stop signal (p.Ile142Hisfs*3) in the ALDH5A1 gene. It is expected to result in an absent or disrupted protein product. Loss-of-function variants in ALDH5A1 are known to be pathogenic (PMID: 14635103).

Literature cited by the submitters: PubMed 14635103.

NM_001080.3(ALDH5A1):c.424_425del (p.Ile142fs)

Gene: ALDH5A1 (aldehyde dehydrogenase 5 family member A1; plus strand). Cytogenetic location: 6p22.3.
Variant type: Deletion.
Coding change: c.424_425del on transcript NM_001080.3 (MANE Select); coding-DNA positions 424 to 425, 2 bases deleted (AT; older notation c.424_425delAT).
Protein change: p.Ile142fs; shifts the reading frame from isoleucine 142.
Molecular consequence: frameshift variant.
Genome position (GRCh38, 1-based): chr6:24,502,592-24,502,593, AT deleted. VCF-style (leftmost placement, unchanged base first): chr6-24502591-AAT-A. GRCh37 (hg19) VCF-style: chr6-24502819-AAT-A.
Other names: c.424_425del, p.Ile142fs (NM_001368954.1, NM_170740.1); short protein forms I142fs.
Identifiers: ClinVar variation 1350850 (VCV001350850.7), dbSNP rs760542761, ClinGen allele CA3656611.
Genomic context (GRCh38, chr6:24,502,591, plus strand): 5'-TTCATTACTTCGGAAGTGGTACAATTTAATGATACAAAATAAGGATGACCTTGCCAGAAT[AAT>A]CACAGCTGAAAGTGTAAGTTCAGGGTTCTGGCTTGGTGCACTGAGAAATTCTCCAGGAAT-3'